The following is an entry in ClinVar:

ClinVar aggregate classification (germline): Conflicting classifications of pathogenicity. Review status: criteria provided, conflicting classifications (1 of 4 stars). 8 submissions from 8 submitters: Uncertain significance (6); Likely benign (1). 1 of the submissions does not count toward it. Last evaluated 2025-11-21.

Conditions:
IMPDH1-related disorder. Also called: IMPDH1-related disorders; IMPDH1-related condition.
Retinal dystrophy. Also called: Inherited retinal dystrophy. Identifiers: Orphanet 71862, MedGen C0854723, MeSH D058499, MONDO:0019118, HP:0000556.
Leber congenital amaurosis 11 (LCA11). Identifiers: Orphanet 65, MedGen C1840284, MONDO:0013454, OMIM 613837.
Retinitis pigmentosa 10 (RP10). Identifiers: Orphanet 791, MedGen C1867299, MONDO:0008379, OMIM 180105.

Allele frequency attached by ClinVar (database versions not stated): ESP Exome Variant Server 0.00008; ExAC 0.00011; gnomAD 0.00012 and 0.00013; gnomAD exomes 0.00015 and 0.00016; TOPMed 0.00019.
gnomAD v4.1: 247 of 1,613,464 alleles (0.015%); highest among the groups gnomAD compares: Non-Finnish European, 0.019%; no homozygotes.

Submissions (8):

PreventionGenetics, part of Exact Sciences
Classification: Uncertain significance for IMPDH1-related condition. Last evaluated: 2025-11-21. Review status: criteria provided, single submitter. Criteria: ACMG Guidelines, 2015. Collection method: clinical testing. Allele origin: germline.
Comment: The IMPDH1 c.1030C>T variant is predicted to result in the amino acid substitution p.Arg344Cys. This variant has been reported in an individual with rod-cone dystrophy who also had heterozygous variants in MYO7A and USH2A (Tables S2 and S3, Mihalich et al. 2024. PubMed ID: 38927702). This variant is reported in 0.027% of alleles in individuals of European (Non-Finnish) descent in gnomAD. A different missense variant affecting the same amino acid position, c.1031G>A, p.(Arg344His), has been reported in individuals with retinitis pigmentosa or inherited retinal disease (Table S1, Lin et al. 2024. PubMed ID: 38219857; referred to as R308H in Jin. 2008. PubMed ID: 18310263). At this time, the clinical significance of this c.1030C>T, p.(Arg344Cys) variant is uncertain due to the absence of conclusive functional and genetic evidence.

Labcorp Genetics (formerly Invitae), Labcorp
Classification: Uncertain significance. Last evaluated: 2025-03-17. Review status: criteria provided, single submitter. Criteria: Invitae Variant Classification Sherloc (09022015). Collection method: clinical testing. Allele origin: germline.
Comment: This sequence change replaces arginine, which is basic and polar, with cysteine, which is neutral and slightly polar, at codon 344 of the IMPDH1 protein (p.Arg344Cys). This variant is present in population databases (rs370988040, gnomAD 0.03%). This missense change has been observed in individual(s) with autosomal dominant cone-rod dystrophy (PMID: 38927702). ClinVar contains an entry for this variant (Variation ID: 450043). An algorithm developed to predict the effect of missense changes on protein structure and function (PolyPhen-2) suggests that this variant is likely to be tolerated. This variant disrupts the p.Arg344 amino acid residue in IMPDH1. Other variant(s) that disrupt this residue have been observed in individuals with IMPDH1-related conditions (PMID: 18310263), which suggests that this may be a clinically significant amino acid residue. In summary, the available evidence is currently insufficient to determine the role of this variant in disease. Therefore, it has been classified as a Variant of Uncertain Significance.

Blueprint Genetics
Classification: Likely benign. Last evaluated: 2024-10-17. Review status: criteria provided, single submitter. Criteria: ACMG Guidelines, 2015. Collection method: clinical testing. Allele origin: germline.

Department of Pathology and Laboratory Medicine, Sinai Health System
Classification: Uncertain significance for Retinitis pigmentosa 10; Leber congenital amaurosis 11. Last evaluated: 2022-05-03. Review status: criteria provided, single submitter. Criteria: ACMG Guidelines, 2015. Collection method: research. Allele origin: germline.

Centre for Mendelian Genomics, University Medical Centre Ljubljana
Classification: Uncertain significance for Leber congenital amaurosis 11. Last evaluated: 2019-08-19. Review status: criteria provided, single submitter. Criteria: ACMG Guidelines, 2015. Collection method: clinical testing. Allele origin: unknown. Affected: yes.
Comment: This variant was classified as: Uncertain significance. The available evidence on this variant's pathogenicity is insufficient or conflicting. The following ACMG criteria were applied in classifying this variant: PP3.

GeneDx
Classification: Uncertain significance. Last evaluated: 2017-06-29. Review status: criteria provided, single submitter. Criteria: GeneDx Variant Classification (06012015). Collection method: clinical testing. Allele origin: germline. Affected: yes.
Comment: The R344C variant has been reported previously as a benign variant in an individual with retinitis pigmentosa who harbored a homozygous canonical splice variant in ARL6, but additional evidence is not available (Neveling et al., 2012). The R344C variant is observed in 12/65218 (0.018%) alleles from individuals of non-Finnish European background, in large population cohorts (Lek et al., 2016; 1000 Genomes Consortium et al., 2015; Exome Variant Server). The R344C variant is a non-conservative amino acid substitution, which is likely to impact secondary protein structure as these residues differ in polarity, charge, size and/or other properties. This substitution occurs at a position that is conserved across species. In silico analysis predicts this variant is probably damaging to the protein structure/function. A missense variant in the same residue (R344H, reported as R308H) has been reported in association with retinitis pigmentosa (Jin et al., 2008), supporting the functional importance of this region of the protein. We interpret R344C as a variant of uncertain significance.

Breakthrough Genomics
Classification: Uncertain significance. Review status: criteria provided, single submitter. Criteria: ACMG Guidelines, 2015. Collection method: not provided. Allele origin: germline. Inheritance: Autosomal recessive inheritance. Affected: yes.

Institute of Human Genetics, Univ. Regensburg, Univ. Regensburg
Classification: Uncertain significance for Retinal dystrophy. Last evaluated: 2022-01-01. Review status: no assertion criteria provided. Criteria: ACMG Guidelines, 2015. Collection method: clinical testing. Allele origin: germline. Affected: yes. Not counted in ClinVar's aggregate classification.

Literature cited by the submitters: PubMed 38927702 (cited by Labcorp Genetics (formerly Invitae), Labcorp); PubMed 18310263 (cited by Labcorp Genetics (formerly Invitae), Labcorp).

NM_000883.4(IMPDH1):c.1030C>T (p.Arg344Cys)

Gene: IMPDH1 (inosine monophosphate dehydrogenase 1; minus strand). Cytogenetic location: 7q32.1.
Variant type: single nucleotide variant.
Coding change: c.1030C>T on transcript NM_000883.4 (MANE Select); coding-DNA position 1030, C replaced by T.
Protein change: p.Arg344Cys; replaces arginine 344 with cysteine.
Molecular consequence: missense variant.
Genome position (GRCh38, 1-based): chr7:128,398,458, G>A on the plus strand (C>T on the coding strand, the complement: IMPDH1 is on the minus strand). VCF-style: chr7-128398458-G-A. GRCh37 (hg19) VCF-style: chr7-128038512-G-A.
Other names: c.1000C>T, p.Arg334Cys (NM_001102605.2); c.775C>T, p.Arg259Cys (NM_001142573.2); c.760C>T, p.Arg254Cys (NM_001142574.2); c.700C>T, p.Arg234Cys (NM_001142575.2); c.931C>T, p.Arg311Cys (NM_001142576.2); c.823C>T, p.Arg275Cys (NM_001304521.2); c.922C>T, p.Arg308Cys (NM_183243.3); short protein forms R344C, R254C, R259C, R311C, R308C, R234C, R334C, R275C.
Identifiers: ClinVar variation 450043 (VCV000450043.16), dbSNP rs370988040, ClinGen allele CA4470976.